The following is an entry in ClinVar:

NM_012079.6(DGAT1):c.1248+4A>G

Gene: DGAT1 (diacylglycerol O-acyltransferase 1; minus strand). Cytogenetic location: 8q24.3.
Variant type: single nucleotide variant.
Coding change: c.1248+4A>G on transcript NM_012079.6 (MANE Select); 4 bases into the intron after coding-DNA position 1248, A replaced by G.
Molecular consequence: intron variant.
Genome position (GRCh38, 1-based): chr8:144,317,018, T>C on the plus strand (A>G on the coding strand, the complement: DGAT1 is on the minus strand). VCF-style: chr8-144317018-T-C. GRCh37 (hg19) VCF-style: chr8-145540681-T-C.
Identifiers: ClinVar variation 1978424 (VCV001978424.4), dbSNP rs1817255499, ClinGen allele CA1826252598.

ClinVar aggregate classification (germline): Uncertain significance (1 of 4 stars; one submission).

Allele frequency attached by ClinVar (database versions not stated): gnomAD exomes below 0.00001.
gnomAD v4.1: 1 of 1,612,254 alleles (0.000062%); highest among the groups gnomAD compares: African/African-American, 0.0013%; no homozygotes.

Submission:

Labcorp Genetics (formerly Invitae), Labcorp
Classification: Uncertain significance. Last evaluated: 2022-07-25. Review status: criteria provided, single submitter. Criteria: Invitae Variant Classification Sherloc (09022015). Collection method: clinical testing. Allele origin: germline.
Comment: In summary, the available evidence is currently insufficient to determine the role of this variant in disease. Therefore, it has been classified as a Variant of Uncertain Significance. Variants that disrupt the consensus splice site are a relatively common cause of aberrant splicing (PMID: 17576681, 9536098). Algorithms developed to predict the effect of sequence changes on RNA splicing suggest that this variant is not likely to affect RNA splicing. This variant has not been reported in the literature in individuals affected with DGAT1-related conditions. This variant is not present in population databases (gnomAD no frequency). This sequence change falls in intron 15 of the DGAT1 gene. It does not directly change the encoded amino acid sequence of the DGAT1 protein. It affects a nucleotide within the consensus splice site.

Literature cited by the submitters: PubMed 17576681; PubMed 9536098.